The following is an entry in ClinVar:

ClinVar aggregate classification (germline): Uncertain significance (1 of 4 stars; one submission).

Conditions:
Aortic valve disease 2 (AOVD2). Identifiers: MedGen C3542024, MONDO:0013902, OMIM 614823.

Submission:

Labcorp Genetics (formerly Invitae), Labcorp
Classification: Uncertain significance for Aortic valve disease 2. Last evaluated: 2024-05-08. Review status: criteria provided, single submitter. Criteria: Invitae Variant Classification Sherloc (09022015). Collection method: clinical testing. Allele origin: germline.
Comment: This sequence change replaces proline, which is neutral and non-polar, with arginine, which is basic and polar, at codon 110 of the SMAD6 protein (p.Pro110Arg). This variant is not present in population databases (gnomAD no frequency). This variant has not been reported in the literature in individuals affected with SMAD6-related conditions. An algorithm developed to predict the effect of missense changes on protein structure and function (PolyPhen-2) suggests that this variant is likely to be tolerated. In summary, the available evidence is currently insufficient to determine the role of this variant in disease. Therefore, it has been classified as a Variant of Uncertain Significance.

NM_005585.5(SMAD6):c.329C>G (p.Pro110Arg)

Gene: SMAD6 (SMAD family member 6; plus strand). Cytogenetic location: 15q22.31.
Variant type: single nucleotide variant.
Coding change: c.329C>G on transcript NM_005585.5 (MANE Select); coding-DNA position 329, C replaced by G.
Protein change: p.Pro110Arg; replaces proline 110 with arginine.
Molecular consequence: missense variant. On other transcripts: non-coding transcript variant (1).
Genome position (GRCh38, 1-based): chr15:66,703,587, C>G. VCF-style: chr15-66703587-C-G. GRCh37 (hg19) VCF-style: chr15-66995925-C-G.
Other names: short protein forms P110R.
Identifiers: ClinVar variation 3669227 (VCV003669227.2).
Genomic context (GRCh38, chr15:66,703,587, plus strand): 5'-CGAGGCCCATGTCGGAGCCAGGGGCCGGCGCTGGGAGCTCCCTGCTGGACGTGGCGGAGC[C>G]GGGAGGCCCGGGCTGGCTGCCCGAGAGTGACTGCGAGACGGTGACCTGCTGTCTCTTTTC-3'
Protein context (NP_005576.3, residues 100-120): AGSSLLDVAE[Pro110Arg]GGPGWLPESD